The following is an entry in ClinVar:

ClinVar aggregate classification (germline): Likely benign. Review status: criteria provided, multiple submitters, no conflicts (2 of 4 stars). 6 submissions from 6 submitters: Likely benign (5). 1 of the submissions does not count toward it. Last evaluated 2026-01-27.

Conditions:
FLNA-related disorder.
Melnick-Needles syndrome (MNS). Also called: Melnick-Needles Syndrome (FLNA-MNS); MELNICK-NEEDLES OSTEODYSPLASTY; OSTEODYSPLASTY OF MELNICK AND NEEDLES. Identifiers: Orphanet 2484, MedGen C0025237, MONDO:0010650, OMIM 309350.
Oto-palato-digital syndrome, type II (OPD2). Also called: Otopalatodigital Syndrome Type 2 (FLNA-OPD2); OPD II SYNDROME; Otopalatodigital Syndrome, Type II; FACIOPALATOOSSEOUS SYNDROME. Identifiers: Orphanet 669, Orphanet 90652, MedGen C1844696, MONDO:0010571, OMIM 304120.
Frontometaphyseal dysplasia (FMD1). Identifiers: Orphanet 1826, MedGen C0265293, MONDO:0015942.
Heterotopia, periventricular, X-linked dominant (PVNH1). Also called: PERIVENTRICULAR NODULAR HETEROTOPIA 1; PERIVENTRICULAR NODULAR HETEROTOPIA 4; HETEROTOPIA, PERIVENTRICULAR, 1; X-linked periventricular heterotopia. Identifiers: Orphanet 2149, Orphanet 82004, MedGen C1848213, MONDO:0010233, OMIM 300049.
Familial thoracic aortic aneurysm and aortic dissection (TAAD). Also called: Thoracic aortic aneurysms and dissections. Identifiers: Orphanet 91387, MedGen C4707243, MONDO:0019625.

Allele frequency attached by ClinVar (database versions not stated): gnomAD 0.00003; TOPMed 0.00003; ExAC 0.00010; gnomAD exomes 0.00012.
gnomAD v4.1: 29 of 1,209,245 alleles (0.0024%); highest among the groups gnomAD compares: Admixed American, 0.057%; 1 homozygote.

Submissions (6):

Labcorp Genetics (formerly Invitae), Labcorp
Classification: Likely benign for Oto-palato-digital syndrome, type II; Heterotopia, periventricular, X-linked dominant; Frontometaphyseal dysplasia; Melnick-Needles syndrome. Last evaluated: 2026-01-27. Review status: criteria provided, single submitter. Criteria: Invitae Variant Classification Sherloc (09022015). Collection method: clinical testing. Allele origin: germline.

CeGaT Center for Human Genetics Tuebingen
Classification: Likely benign. Last evaluated: 2025-12-01. Review status: criteria provided, single submitter. Criteria: CeGaT Center For Human Genetics Tuebingen Variant Classification Criteria Version 2. Collection method: clinical testing. Allele origin: germline. Affected: yes. Observed: 1 variant allele.
Comment: FLNA: BS2

Ambry Genetics
Classification: Likely benign for Familial thoracic aortic aneurysm and aortic dissection. Last evaluated: 2021-06-17. Review status: criteria provided, single submitter. Criteria: Ambry Variant Classification Scheme 2023. Collection method: clinical testing. Allele origin: germline.

Blueprint Genetics
Classification: Likely benign. Last evaluated: 2019-04-04. Review status: criteria provided, single submitter. Criteria: ACMG Guidelines, 2015. Collection method: clinical testing. Allele origin: germline.

GeneDx
Classification: Likely benign. Last evaluated: 2018-08-08. Review status: criteria provided, single submitter. Criteria: GeneDx Variant Classification (06012015). Collection method: clinical testing. Allele origin: germline. Affected: yes.
Comment: This variant is considered likely benign or benign based on one or more of the following criteria: it is a conservative change, it occurs at a poorly conserved position in the protein, it is predicted to be benign by multiple in silico algorithms, and/or has population frequency not consistent with disease.

PreventionGenetics, part of Exact Sciences
Classification: Likely benign for FLNA-related condition. Last evaluated: 2023-05-30. Review status: no assertion criteria provided. Collection method: clinical testing. Allele origin: germline. Not counted in ClinVar's aggregate classification.
Comment: This variant is classified as likely benign based on ACMG/AMP sequence variant interpretation guidelines (Richards et al. 2015 PMID: 25741868, with internal and published modifications).

NM_001110556.2(FLNA):c.6217C>T (p.Arg2073Cys)

Gene: FLNA (filamin A; minus strand). Cytogenetic location: Xq28.
Variant type: single nucleotide variant.
Coding change: c.6217C>T on transcript NM_001110556.2 (MANE Select); coding-DNA position 6217, C replaced by T.
Protein change: p.Arg2073Cys; replaces arginine 2073 with cysteine.
Molecular consequence: missense variant.
Genome position (GRCh38, 1-based): chrX:154,353,010, G>A on the plus strand (C>T on the coding strand, the complement: FLNA is on the minus strand). VCF-style: chrX-154353010-G-A. GRCh37 (hg19) VCF-style: chrX-153581378-G-A.
Other names: c.6193C>T, p.Arg2065Cys (NM_001456.4); c.6217C>T (NM_001110556.1); short protein forms R2073C, R2065C.
Identifiers: ClinVar variation 465008 (VCV000465008.26), dbSNP rs782069230, ClinGen allele CA10560149.
Genomic context (GRCh38, chrX:154,353,010, plus strand): 5'-CGGTGCTATGCACAGTGCTCCCGCCCCAGCTGGTGGGCAGCCACTGCCTACCTGCATCGC[G>A]GGTATCAATGATAAACTCTGCAGGCTCAAAGGTGTGGCCTTCGTGAAGGCCCTGACCAGA-3'
Protein context (NP_001104026.1, residues 2063-2083): FEPAEFIIDT[Arg2073Cys]DAGYGGLSLS